The following is an entry in ClinVar:

ClinVar aggregate classification (germline): Pathogenic (1 of 4 stars; one submission).

Conditions:
Pigmentary pallidal degeneration (NBIA1). Also called: Neuroaxonal dystrophy, late infantile; Hallervorden-Spatz disease; PKAN NEUROAXONAL DYSTROPHY, JUVENILE-ONSET; Pantothenate Kinase-Associated Neurodegeneration; Neurodegeneration with brain iron accumulation 1; HARP SYNDROME. Identifiers: Orphanet 157850, MedGen C0018523, MONDO:0009319, OMIM 234200.

Submission:

Labcorp Genetics (formerly Invitae), Labcorp
Classification: Pathogenic for Pigmentary pallidal degeneration. Last evaluated: 2023-07-19. Review status: criteria provided, single submitter. Criteria: Invitae Variant Classification Sherloc (09022015). Collection method: clinical testing. Allele origin: germline.
Comment: This variant results in the deletion of part of exon 4 (c.1236-99_1259del) of the PANK2 gene. It is expected to disrupt RNA splicing. Variants that disrupt the donor or acceptor splice site typically lead to a loss of protein function (PMID: 16199547), and loss-of-function variants in PANK2 are known to be pathogenic (PMID: 11479594, 12510040). This variant is not present in population databases (gnomAD no frequency). This variant has been observed in individual(s) with clinical features of pantothenate kinase-associated neurodegeneration (Invitae). In at least one individual the data is consistent with being in trans (on the opposite chromosome) from a pathogenic variant. ClinVar contains an entry for this variant (Variation ID: 1419098). For these reasons, this variant has been classified as Pathogenic. Algorithms developed to predict the effect of sequence changes on RNA splicing suggest that this variant may disrupt the consensus splice site.

Literature cited by the submitters: PubMed 16199547; PubMed 11479594; PubMed 12510040.

NM_001386393.1(PANK2):c.906-99_929del

Gene: PANK2 (pantothenate kinase 2; plus strand). Cytogenetic location: 20p13.
Variant type: Deletion.
Coding change: c.906-99_929del on transcript NM_001386393.1 (MANE Select); 99 bases into the intron before coding-DNA position 906 through coding-DNA position 929, 123 bases deleted.
Molecular consequence: splice acceptor variant.
Genome position (GRCh38, 1-based): chr20:3,912,359-3,912,481, 123 bases deleted. GRCh37 (hg19): chr20:3,893,006-3,893,128.
Other names: c.363-99_386del (NM_024960.6, NM_001324191.2, NM_153640.4); c.1236-99_1259del (NM_153638.4); c.-73-99_-50del (NM_001324193.2).
Identifiers: ClinVar variation 1419098 (VCV001419098.6), dbSNP rs2146872050, ClinGen allele CA2573156940.